The following is an entry in ClinVar:

ClinVar aggregate classification (germline): Likely benign (1 of 4 stars; one submission).

Conditions:
ROR1-related disorder. Also called: ROR1-related condition.

gnomAD v4.1: 142 of 1,613,694 alleles (0.0088%); highest among the groups gnomAD compares: Non-Finnish European, 0.00059%; no homozygotes.

Submission:

PreventionGenetics, part of Exact Sciences
Classification: Likely benign for ROR1-related condition. Last evaluated: 2026-03-23. Review status: criteria provided, single submitter. Criteria: ACMG Guidelines, 2015. Collection method: clinical testing. Allele origin: germline.
Comment: This variant is classified as likely benign based on ACMG/AMP sequence variant interpretation guidelines (Richards et al. 2015 PMID: 25741868, with internal and published modifications).

NM_005012.4(ROR1):c.136T>C (p.Trp46Arg)

Gene: ROR1 (ROR family WNT receptor 1; plus strand). Cytogenetic location: 1p31.3.
Variant type: single nucleotide variant.
Coding change: c.136T>C on transcript NM_005012.4 (MANE Select); coding-DNA position 136, T replaced by C.
Protein change: p.Trp46Arg; replaces tryptophan 46 with arginine.
Molecular consequence: missense variant.
Genome position (GRCh38, 1-based): chr1:64,009,349, T>C. VCF-style: chr1-64009349-T-C. GRCh37 (hg19) VCF-style: chr1-64475021-T-C.
Other names: c.136T>C, p.Trp46Arg (NM_001083592.2); short protein forms W46R.
Identifiers: ClinVar variation 4978969 (VCV004978969.1).